The following is an entry in ClinVar:

NM_001079668.3(NKX2-1):c.1166C>G (p.Thr389Ser)

Genes: NKX2-1 (NK2 homeobox 1; minus strand), SFTA3 (surfactant associated 3; minus strand). Cytogenetic location: 14q13.3.
Variant type: single nucleotide variant.
Coding change: c.1166C>G on transcript NM_001079668.3 (MANE Select); coding-DNA position 1166, C replaced by G.
Protein change: p.Thr389Ser; replaces threonine 389 with serine.
Molecular consequence: missense variant.
Genome position (GRCh38, 1-based): chr14:36,517,318, G>C on the plus strand (C>G on the coding strand, the complement: NKX2-1 is on the minus strand). VCF-style: chr14-36517318-G-C. GRCh37 (hg19) VCF-style: chr14-36986523-G-C.
Other names: c.1076C>G, p.Thr359Ser (NM_003317.4); short protein forms T359S, T389S.
Identifiers: ClinVar variation 3339902 (VCV003339902.1).

ClinVar aggregate classification (germline): Uncertain significance (1 of 4 stars; one submission).

Submission:

Women's Health and Genetics/Laboratory Corporation of America, LabCorp
Classification: Uncertain significance. Last evaluated: 2024-06-21. Review status: criteria provided, single submitter. Criteria: LabCorp Variant Classification Summary - May 2015. Collection method: clinical testing. Allele origin: germline.
Comment: Variant summary: NKX2-1 c.1166C>G (p.Thr389Ser) results in a conservative amino acid change in the encoded protein sequence. Five of five in-silico tools predict a benign effect of the variant on protein function. The frequency data for this variant in gnomAD is considered unreliable, as metrics indicate poor data quality at this position. To our knowledge, no occurrence of c.1166C>G in individuals affected with Chorea, Hereditary Benign and no experimental evidence demonstrating its impact on protein function have been reported. No submitters have cited clinical-significance assessments for this variant to ClinVar. Based on the evidence outlined above, the variant was classified as uncertain significance.